The following is an entry in ClinVar:

ClinVar aggregate classification (germline): Uncertain significance (1 of 4 stars; one submission).

Submission:

Labcorp Genetics (formerly Invitae), Labcorp
Classification: Uncertain significance. Last evaluated: 2025-08-31. Review status: criteria provided, single submitter. Criteria: Invitae Variant Classification Sherloc (09022015). Collection method: clinical testing. Allele origin: germline.
Comment: This sequence change replaces threonine, which is neutral and polar, with isoleucine, which is neutral and non-polar, at codon 1638 of the UNC80 protein (p.Thr1638Ile). This variant is not present in population databases (gnomAD no frequency). This variant has not been reported in the literature in individuals affected with UNC80-related conditions. ClinVar contains an entry for this variant (Variation ID: 2808398). Invitae Evidence Modeling of protein sequence and biophysical properties (such as structural, functional, and spatial information, amino acid conservation, physicochemical variation, residue mobility, and thermodynamic stability) indicates that this missense variant is not expected to disrupt UNC80 protein function with a negative predictive value of 80%. In summary, the available evidence is currently insufficient to determine the role of this variant in disease. Therefore, it has been classified as a Variant of Uncertain Significance.

NM_001371986.1(UNC80):c.5111C>T (p.Thr1704Ile)

Genes: UNC80 (unc-80 subunit of NALCN channel complex; plus strand), LOC126806490 (P300/CBP strongly-dependent group 1 enhancer GRCh37_chr2:210782411-210783610; plus strand). Cytogenetic location: 2q34.
Variant type: single nucleotide variant.
Coding change: c.5111C>T on transcript NM_001371986.1 (MANE Select); coding-DNA position 5111, C replaced by T.
Protein change: p.Thr1704Ile; replaces threonine 1704 with isoleucine.
Molecular consequence: missense variant.
Genome position (GRCh38, 1-based): chr2:209,917,858, C>T. VCF-style: chr2-209917858-C-T. GRCh37 (hg19) VCF-style: chr2-210782582-C-T.
Other names: c.4913C>T, p.Thr1638Ile (NM_032504.2); c.4898C>T, p.Thr1633Ile (NM_182587.4); short protein forms T1704I, T1633I, T1638I.
Identifiers: ClinVar variation 2808398 (VCV002808398.3), dbSNP rs2124948147, ClinGen allele CA350758925.
Genomic context (GRCh38, chr2:209,917,858, plus strand): 5'-CAGTGAAGGTGCCTGAGGCCGTGTCCGACATGCTGATGTCAGAGTTCCACCACCCGGAGA[C>T]TGTGCAGAGGCTGAACGCTGTCCTCAAGTTCCACACGCTCTGGAGGTTTCGCTATCAGGT-3'
Protein context (NP_001358915.1, residues 1694-1714): MLMSEFHHPE[Thr1704Ile]VQRLNAVLKF